The following is an entry in ClinVar:

ClinVar aggregate classification (germline): Conflicting classifications of pathogenicity. Review status: criteria provided, conflicting classifications (1 of 4 stars). 2 submissions from 2 submitters: Uncertain significance (1); Likely benign (1). Last evaluated 2025-02-05.

Conditions:
POLD1-related polyposis and colorectal cancer syndrome (CRCS10). Also called: Colorectal cancer 10; COLORECTAL CANCER, SUSCEPTIBILITY TO, ON CHROMOSOME 19q; Colorectal cancer, susceptibility to, 10. Identifiers: Orphanet 220460, MedGen C2675481, MONDO:0012953, OMIM 612591.

gnomAD v4.1: 6 of 1,610,540 alleles (0.00037%); highest among the groups gnomAD compares: Non-Finnish European, 0.00051%; no homozygotes.

Submissions (2):

Myriad Genetics, Inc.
Classification: Likely benign for POLD1-related polyposis and colorectal cancer syndrome. Last evaluated: 2025-02-05. Review status: criteria provided, single submitter. Criteria: Myriad Autosomal Dominant, Autosomal Recessive and X-Linked Classification Criteria (2023). Collection method: clinical testing. Allele origin: unknown.
Comment: This variant is considered likely benign. This variant is intronic and is not expected to impact mRNA splicing.

Labcorp Genetics (formerly Invitae), Labcorp
Classification: Uncertain significance for POLD1-related polyposis and colorectal cancer syndrome. Last evaluated: 2022-04-15. Review status: criteria provided, single submitter. Criteria: Invitae Variant Classification Sherloc (09022015). Collection method: clinical testing. Allele origin: germline.
Comment: This variant is not present in population databases (gnomAD no frequency). In summary, the available evidence is currently insufficient to determine the role of this variant in disease. Therefore, it has been classified as a Variant of Uncertain Significance. Algorithms developed to predict the effect of sequence changes on RNA splicing suggest that this variant may disrupt the consensus splice site. This variant has not been reported in the literature in individuals affected with POLD1-related conditions. This sequence change falls in intron 10 of the POLD1 gene. It does not directly change the encoded amino acid sequence of the POLD1 protein.

NM_002691.4(POLD1):c.1243-11C>T

Gene: POLD1 (DNA polymerase delta 1, catalytic subunit; plus strand). Cytogenetic location: 19q13.33.
Variant type: single nucleotide variant.
Coding change: c.1243-11C>T on transcript NM_002691.4 (MANE Select); 11 bases into the intron before coding-DNA position 1243, C replaced by T.
Molecular consequence: intron variant.
Genome position (GRCh38, 1-based): chr19:50,406,171, C>T. VCF-style: chr19-50406171-C-T. GRCh37 (hg19) VCF-style: chr19-50909428-C-T.
Other names: c.1243-11C>T (NM_001256849.1, NM_001308632.1).
Identifiers: ClinVar variation 2126594 (VCV002126594.5), dbSNP rs2122315641, ClinGen allele CA2580097606.
Genomic context (GRCh38, chr19:50,406,171, plus strand): 5'-TCAATCTCCGTTCTTCAGGCTTATGTGACGGGGACCCGCAGCCTGCTGCACACCCTGCCT[C>T]TCCTCCTCAGGTACAAACATTCCCTTTCCTGGGCCGTGTGGCCGGCCTTTGCTCCAACAT-3'